The following is an entry in ClinVar:

NM_020208.4(SLC6A20):c.858C>T (p.Thr286=)

Gene: SLC6A20 (solute carrier family 6 member 20; minus strand). Cytogenetic location: 3p21.31.
Variant type: single nucleotide variant.
Coding change: c.858C>T on transcript NM_020208.4 (MANE Select); coding-DNA position 858, C replaced by T.
Protein change: p.Thr286=; no amino-acid change (threonine 286 retained).
Molecular consequence: synonymous variant.
Genome position (GRCh38, 1-based): chr3:45,771,294, G>A on the plus strand (C>T on the coding strand, the complement: SLC6A20 is on the minus strand). VCF-style: chr3-45771294-G-A. GRCh37 (hg19) VCF-style: chr3-45812786-G-A.
Other names: c.747C>T, p.Thr249= (NM_022405.4).
Identifiers: ClinVar variation 345408 (VCV000345408.13), dbSNP rs34458611, ClinGen allele CA2351482.

ClinVar aggregate classification (germline): Benign. Review status: criteria provided, multiple submitters, no conflicts (2 of 4 stars). 5 submissions from 5 submitters: Benign (4). 1 of the submissions does not count toward it. Last evaluated 2021-05-04.

Conditions:
Hyperglycinuria. Also called: GLYCINURIA WITH OR WITHOUT OXALATE NEPHROLITHIASIS; GLYCINURIA WITH OR WITHOUT OXALATE UROLITHIASIS; IMINOGLYCINURIA TYPE II. Identifiers: MedGen C0543541, MONDO:0007677, OMIM 138500, HP:0003108.
SLC6A20-related disorder. Also called: SLC6A20-related condition.

Allele frequency attached by ClinVar (database versions not stated): gnomAD exomes 0.00318 and 0.00735; ExAC 0.00914; gnomAD 0.02673 and 0.02838; TOPMed 0.03053; ESP Exome Variant Server 0.03206; 1000 Genomes Project 0.03295; 1000 Genomes Project 30x 0.03435.
gnomAD v4.1: 8,915 of 1,614,216 alleles (0.55%); highest among the groups gnomAD compares: African/African-American, 9.3%; 351 homozygotes.

Submissions (5):

GeneDx
Classification: Benign. Last evaluated: 2021-05-04. Review status: criteria provided, single submitter. Criteria: GeneDx Variant Classification Process June 2021. Collection method: clinical testing. Allele origin: germline. Affected: yes.

Illumina Laboratory Services, Illumina
Classification: Benign for Hyperglycinuria. Last evaluated: 2018-01-12. Review status: criteria provided, single submitter. Criteria: ICSL Variant Classification Criteria 13 December 2019. Collection method: clinical testing. Allele origin: germline.
Comment: This variant was observed in the ICSL laboratory as part of a predisposition screen in an ostensibly healthy population. It had not been previously curated by ICSL or reported in the Human Gene Mutation Database (HGMD: prior to June 1st, 2018), and was therefore a candidate for classification through an automated scoring system. Utilizing variant allele frequency, disease prevalence and penetrance estimates, and inheritance mode, an automated score was calculated to assess if this variant is too frequent to cause the disease. Based on the score and internal cut-off values, a variant classified as benign is not then subjected to further curation. The score for this variant resulted in a classification of benign for this disease.

Labcorp Genetics (formerly Invitae), Labcorp
Classification: Benign. Last evaluated: 2017-07-10. Review status: criteria provided, single submitter. Criteria: Invitae Variant Classification Sherloc (09022015). Collection method: clinical testing. Allele origin: germline.

Breakthrough Genomics
Classification: Benign. Review status: criteria provided, single submitter. Criteria: ACMG Guidelines, 2015. Collection method: not provided. Allele origin: germline. Inheritance: Autosomal recessive inheritance. Affected: yes.

PreventionGenetics, part of Exact Sciences
Classification: Benign for SLC6A20-related condition. Last evaluated: 2019-03-12. Review status: no assertion criteria provided. Collection method: clinical testing. Allele origin: germline. Not counted in ClinVar's aggregate classification.
Comment: This variant is classified as benign based on ACMG/AMP sequence variant interpretation guidelines (Richards et al. 2015 PMID: 25741868, with internal and published modifications).